The following is an entry in ClinVar:

ClinVar aggregate classification (germline): Uncertain significance. Review status: criteria provided, multiple submitters, no conflicts (2 of 4 stars). 3 submissions from 3 submitters: Uncertain significance (3). Last evaluated 2025-11-09.

Conditions:
Myofibrillar myopathy 5. Also called: FILAMINOPATHY, AUTOSOMAL DOMINANT; Filaminopathy (type). Identifiers: Orphanet 171445, MedGen C1836050, MONDO:0012289, OMIM 609524.
Distal myopathy with posterior leg and anterior hand involvement. Also called: WILLIAMS DISTAL MYOPATHY. Identifiers: Orphanet 63273, MedGen C3279722, MONDO:0013550, OMIM 614065.
Hypertrophic cardiomyopathy 26. Also called: Cardiomyopathy, familial hypertrophic, 26. Identifiers: Orphanet 75249, MedGen C4310749, MONDO:0014883, OMIM 617047.
Cardiovascular phenotype. Identifiers: MedGen CN230736.

Allele frequency attached by ClinVar (database versions not stated): gnomAD exomes below 0.00001; gnomAD 0.00001; TOPMed 0.00001.
gnomAD v4.1: 8 of 1,613,118 alleles (0.0005%); highest among the groups gnomAD compares: Admixed American, 0.0017%; no homozygotes.

Submissions (3):

Labcorp Genetics (formerly Invitae), Labcorp
Classification: Uncertain significance for Distal myopathy with posterior leg and anterior hand involvement; Myofibrillar myopathy 5; Hypertrophic cardiomyopathy 26. Last evaluated: 2025-11-09. Review status: criteria provided, single submitter. Criteria: Invitae Variant Classification Sherloc (09022015). Collection method: clinical testing. Allele origin: germline.
Comment: This sequence change replaces glutamic acid, which is acidic and polar, with lysine, which is basic and polar, at codon 1988 of the FLNC protein (p.Glu1988Lys). This variant is present in population databases (no rsID available, gnomAD 0.0009%). This variant has not been reported in the literature in individuals affected with FLNC-related conditions. ClinVar contains an entry for this variant (Variation ID: 860185). Invitae Evidence Modeling of protein sequence and biophysical properties (such as structural, functional, and spatial information, amino acid conservation, physicochemical variation, residue mobility, and thermodynamic stability) has been performed for this missense variant. However, the output from this modeling did not meet the statistical confidence thresholds required to predict the impact of this variant on FLNC protein function. In summary, the available evidence is currently insufficient to determine the role of this variant in disease. Therefore, it has been classified as a Variant of Uncertain Significance.

GeneDx
Classification: Uncertain significance. Last evaluated: 2025-05-29. Review status: criteria provided, single submitter. Criteria: GeneDx Variant Classification Process June 2021. Collection method: clinical testing. Allele origin: germline. Affected: yes.
Comment: Not observed at significant frequency in large population cohorts (gnomAD); In silico analysis supports that this missense variant has a deleterious effect on protein structure/function; Has not been previously published as pathogenic or benign to our knowledge

Ambry Genetics
Classification: Uncertain significance for Cardiovascular phenotype. Last evaluated: 2024-03-06. Review status: criteria provided, single submitter. Criteria: Ambry Variant Classification Scheme 2023. Collection method: clinical testing. Allele origin: germline.
Comment: The p.E1988K variant (also known as c.5962G>A), located in coding exon 36 of the FLNC gene, results from a G to A substitution at nucleotide position 5962. The glutamic acid at codon 1988 is replaced by lysine, an amino acid with similar properties. This amino acid position is well conserved in available vertebrate species. In addition, this alteration is predicted to be tolerated by in silico analysis. Since supporting evidence is limited at this time, the clinical significance of this alteration remains unclear.

NM_001458.5(FLNC):c.5962G>A (p.Glu1988Lys)

Genes: FLNC (filamin C; plus strand), FLNC-AS1 (FLNC antisense RNA 1; minus strand). Cytogenetic location: 7q32.1.
Variant type: single nucleotide variant.
Coding change: c.5962G>A on transcript NM_001458.5 (MANE Select); coding-DNA position 5962, G replaced by A.
Protein change: p.Glu1988Lys; replaces glutamic acid 1988 with lysine.
Molecular consequence: missense variant.
Genome position (GRCh38, 1-based): chr7:128,852,710, G>A. VCF-style: chr7-128852710-G-A. GRCh37 (hg19) VCF-style: chr7-128492764-G-A.
Other names: c.5863G>A, p.Glu1955Lys (NM_001127487.2); short protein forms E1955K, E1988K.
Identifiers: ClinVar variation 860185 (VCV000860185.10), dbSNP rs1288953274, ClinGen allele CA369209342.